The following is an entry in ClinVar:

ClinVar aggregate classification (germline): Pathogenic (1 of 4 stars; one submission).

Conditions:
Marfan syndrome (MFS). Also called: MARFAN SYNDROME, TYPE I; Marfan syndrome type 1; Marfan's syndrome; Marfan syndrome, classic; FBN1-Related Marfan Syndrome. Identifiers: Orphanet 284963, Orphanet 558, MedGen C0024796, MONDO:0007947, OMIM 154700.
Familial thoracic aortic aneurysm and aortic dissection (TAAD). Also called: Thoracic aortic aneurysms and dissections. Identifiers: Orphanet 91387, MedGen C4707243, MONDO:0019625.

Submission:

Labcorp Genetics (formerly Invitae), Labcorp
Classification: Pathogenic for Marfan syndrome; Familial thoracic aortic aneurysm and aortic dissection. Last evaluated: 2024-06-25. Review status: criteria provided, single submitter. Criteria: Invitae Variant Classification Sherloc (09022015). Collection method: clinical testing. Allele origin: germline.
Comment: This sequence change replaces cysteine, which is neutral and slightly polar, with tryptophan, which is neutral and slightly polar, at codon 1895 of the FBN1 protein (p.Cys1895Trp). This variant is not present in population databases (gnomAD no frequency). This missense change has been observed in individual(s) with clinical features of Marfan syndrome (Invitae). Advanced modeling of protein sequence and biophysical properties (such as structural, functional, and spatial information, amino acid conservation, physicochemical variation, residue mobility, and thermodynamic stability) performed at Invitae indicates that this missense variant is expected to disrupt FBN1 protein function with a positive predictive value of 95%. This variant affects a cysteine residue in the EGF-like, TGFBP or hybrid motif domains of FBN1. Cysteine residues are believed to be involved in intramolecular disulfide bridges and have been shown to be important for FBN1 protein structure (PMID: 16905551, 19349279). In addition, missense substitutions affecting cysteine residues within these domains are significantly overrepresented among patients with Marfan syndrome (PMID: 16571647, 17701892). This variant disrupts the p.Cys1895 amino acid residue in FBN1. Other variant(s) that disrupt this residue have been observed in individuals with FBN1-related conditions (PMID: 19293843, 29357934), which suggests that this may be a clinically significant amino acid residue. For these reasons, this variant has been classified as Pathogenic.

Literature cited by the submitters: PubMed 16905551; PubMed 19349279; PubMed 16571647; PubMed 17701892; PubMed 19293843; PubMed 29357934.

NM_000138.5(FBN1):c.5685T>G (p.Cys1895Trp)

Gene: FBN1 (fibrillin 1; minus strand). Cytogenetic location: 15q21.1.
Variant type: single nucleotide variant.
Coding change: c.5685T>G on transcript NM_000138.5 (MANE Select); coding-DNA position 5685, T replaced by G.
Protein change: p.Cys1895Trp; replaces cysteine 1895 with tryptophan.
Molecular consequence: missense variant.
Genome position (GRCh38, 1-based): chr15:48,446,809, A>C on the plus strand (T>G on the coding strand, the complement: FBN1 is on the minus strand). VCF-style: chr15-48446809-A-C. GRCh37 (hg19) VCF-style: chr15-48739006-A-C.
Other names: c.5685T>G, p.Cys1895Trp (NM_001406716.1); short protein forms C1895W.
Identifiers: ClinVar variation 3754061 (VCV003754061.2).
Genomic context (GRCh38, chr15:48,446,809, plus strand): 5'-GCGGCAGTTGAAGGAACCAATTGTGTTCCGGCAAGTTCCATTCCCACAGGCATCTCTTTC[A>C]CATTCATTTATGTCTAGTAGGAAGAAAGGCCATAAAGAAACATAATTATAAGTAGAAAAA-3'
Protein context (NP_000129.3, residues 1885-1905): DQTMCLDINE[Cys1895Trp]ERDACGNGTC